The following is an entry in ClinVar:

ClinVar aggregate classification (germline): Pathogenic (1 of 4 stars; one submission).

Conditions:
Neurofibromatosis, type 1 (NF1). Also called: Peripheral type neurofibromatosis; Neurofibromatosis, type I; VON RECKLINGHAUSEN DISEASE; NEUROFIBROMATOSIS, TYPE I, SOMATIC. Identifiers: Orphanet 636, MedGen C0027831, MONDO:0018975, OMIM 162200. Disease mechanism: loss of function.

Submission:

Labcorp Genetics (formerly Invitae), Labcorp
Classification: Pathogenic for Neurofibromatosis, type 1. Last evaluated: 2019-12-04. Review status: criteria provided, single submitter. Criteria: Invitae Variant Classification Sherloc (09022015). Collection method: clinical testing. Allele origin: germline.
Comment: For these reasons, this variant has been classified as Pathogenic. Loss-of-function variants in NF1 are known to be pathogenic (PMID: 10712197, 23913538). This variant has not been reported in the literature in individuals with NF1-related conditions. This variant is an out-of-frame deletion of the genomic region encompassing exon(s) 6-30 of the NF1 gene. This is expected to create a premature translational stop signal and result in an absent or disrupted protein product.

Literature cited by the submitters: PubMed 10712197; PubMed 23913538.

NC_000017.11:g.(?_31181402)_(31253278_?)del

Gene: NF1 (neurofibromin 1; plus strand). Cytogenetic location: 17q11.2.
Variant type: Deletion.
Identifiers: ClinVar variation 833000 (VCV000833000.3).